The following is an entry in ClinVar:

ClinVar aggregate classification (germline): Uncertain significance (1 of 4 stars; one submission).

Conditions:
Bloom syndrome (BLM). Also called: Bloom-Torre-Machacek syndrome. Identifiers: Orphanet 125, MedGen C0005859, MONDO:0008876, OMIM 210900.

Submission:

Labcorp Genetics (formerly Invitae), Labcorp
Classification: Uncertain significance for Bloom syndrome. Last evaluated: 2022-07-19. Review status: criteria provided, single submitter. Criteria: Invitae Variant Classification Sherloc (09022015). Collection method: clinical testing. Allele origin: germline.
Comment: In summary, the available evidence is currently insufficient to determine the role of this variant in disease. Therefore, it has been classified as a Variant of Uncertain Significance. Algorithms developed to predict the effect of missense changes on protein structure and function output the following: SIFT: "Tolerated"; PolyPhen-2: "Benign"; Align-GVGD: "Class C0". The threonine amino acid residue is found in multiple mammalian species, which suggests that this missense change does not adversely affect protein function. ClinVar contains an entry for this variant (Variation ID: 524767). This variant has not been reported in the literature in individuals affected with BLM-related conditions. This variant is not present in population databases (gnomAD no frequency). This sequence change replaces isoleucine, which is neutral and non-polar, with threonine, which is neutral and polar, at codon 617 of the BLM protein (p.Ile617Thr).

NM_000057.4(BLM):c.1850T>C (p.Ile617Thr)

Gene: BLM (BLM RecQ like helicase; plus strand). Cytogenetic location: 15q26.1.
Variant type: single nucleotide variant.
Coding change: c.1850T>C on transcript NM_000057.4 (MANE Select); coding-DNA position 1850, T replaced by C.
Protein change: p.Ile617Thr; replaces isoleucine 617 with threonine.
Molecular consequence: missense variant.
Genome position (GRCh38, 1-based): chr15:90,761,223, T>C. VCF-style: chr15-90761223-T-C. GRCh37 (hg19) VCF-style: chr15-91304453-T-C.
Other names: c.1850T>C, p.Ile617Thr (NM_001287246.2, NM_001287247.2); c.725T>C, p.Ile242Thr (NM_001287248.2); short protein forms I617T, I242T.
Identifiers: ClinVar variation 524767 (VCV000524767.9), dbSNP rs868510206, ClinGen allele CA274738467.